The following is an entry in ClinVar:

NM_152703.5(SAMD9L):c.2159A>C (p.Asp720Ala)

Gene: SAMD9L (sterile alpha motif domain containing 9 like; minus strand). Cytogenetic location: 7q21.2.
Variant type: single nucleotide variant.
Coding change: c.2159A>C on transcript NM_152703.5 (MANE Select); coding-DNA position 2159, A replaced by C.
Protein change: p.Asp720Ala; replaces aspartic acid 720 with alanine.
Molecular consequence: missense variant.
Genome position (GRCh38, 1-based): chr7:93,133,813, T>G on the plus strand (A>C on the coding strand, the complement: SAMD9L is on the minus strand). VCF-style: chr7-93133813-T-G. GRCh37 (hg19) VCF-style: chr7-92763126-T-G.
Other names: c.2159A>C (NM_152703.2); c.2159A>C, p.Asp720Ala (NM_001303496.3, NM_001303497.3, NM_001303498.3 and 5 more transcripts); short protein forms D720A.
Identifiers: ClinVar variation 1921687 (VCV001921687.6), dbSNP rs1792270603, ClinGen allele CA368192517.
Genomic context (GRCh38, chr7:93,133,813, plus strand): 5'-TAAAGATTGATGATTTTTGCAAATATTGGTTTAGGAGACTCTGCCCAGCAGTGTATTAAA[T>G]CTTTAAGCTTTTCATAACTGTCCCTTTTAACAAAATCTGAAGAATAGTTTTCAGAAGAAA-3'
Protein context (NP_689916.2, residues 710-730): VKRDSYEKLK[Asp720Ala]LIHCWAESPK

ClinVar aggregate classification (germline): Uncertain significance. Review status: criteria provided, multiple submitters, no conflicts (2 of 4 stars). 2 submissions from 2 submitters: Uncertain significance (2). Last evaluated 2025-11-18.

Conditions:
Inborn genetic diseases. Identifiers: MedGen C0950123, MeSH D030342.

Allele frequency attached by ClinVar (database versions not stated): TOPMed below 0.00001.

Submissions (2):

Ambry Genetics
Classification: Uncertain significance for Inborn genetic diseases. Last evaluated: 2025-11-18. Review status: criteria provided, single submitter. Criteria: Ambry Variant Classification Scheme 2023. Collection method: clinical testing. Allele origin: germline.
Comment: The p.D720A variant (also known as c.2159A>C), located in coding exon 1 of the SAMD9L gene, results from an A to C substitution at nucleotide position 2159. The aspartic acid at codon 720 is replaced by alanine, an amino acid with dissimilar properties. This amino acid position is conserved. In addition, this alteration is predicted to be tolerated by in silico analysis. Based on the available evidence, the clinical significance of this variant remains unclear.

Labcorp Genetics (formerly Invitae), Labcorp
Classification: Uncertain significance. Last evaluated: 2025-11-04. Review status: criteria provided, single submitter. Criteria: Invitae Variant Classification Sherloc (09022015). Collection method: clinical testing. Allele origin: germline.
Comment: This sequence change replaces aspartic acid, which is acidic and polar, with alanine, which is neutral and non-polar, at codon 720 of the SAMD9L protein (p.Asp720Ala). This variant is not present in population databases (gnomAD no frequency). This variant has not been reported in the literature in individuals affected with SAMD9L-related conditions. ClinVar contains an entry for this variant (Variation ID: 1921687). An algorithm developed to predict the effect of missense changes on protein structure and function outputs the following: PolyPhen-2: "Benign". The alanine amino acid residue is found in multiple mammalian species, which suggests that this missense change does not adversely affect protein function. In summary, the available evidence is currently insufficient to determine the role of this variant in disease. Therefore, it has been classified as a Variant of Uncertain Significance.